The following is an entry in ClinVar:

ClinVar aggregate classification (germline): Pathogenic (1 of 4 stars; one submission).

Submission:

GeneDx
Classification: Pathogenic. Last evaluated: 2014-03-24. Review status: criteria provided, single submitter. Criteria: GeneDx Variant Classification (06012015). Collection method: clinical testing. Allele origin: germline. Affected: yes.
Comment: Although the c.554_555insC variant in the NKX2-5 gene has not been reported to our knowledge, this variant causes a shift in reading frame starting at codon Tryptophan 185, changing it to a Cysteine, and creating a premature stop codon at position 67 of the new reading frame, denoted p.Trp185CysfsX67. This variant is expected to result in an abnormal, truncated protein product. Other frameshift variants in the NKX2-5 gene have been reported in association with cardiac disease. In summary, c.554_555insC in the NKX2-5 gene is interpreted as a pathogenic variant.

NM_004387.4(NKX2-5):c.554_555insC (p.Trp185fs)

Gene: NKX2-5 (NK2 homeobox 5; minus strand). Cytogenetic location: 5q35.1.
Variant type: Insertion.
Coding change: c.554_555insC on transcript NM_004387.4 (MANE Select); coding-DNA positions 554 to 555, C inserted.
Protein change: p.Trp185fs; shifts the reading frame from tryptophan 185.
Molecular consequence: frameshift variant. On other transcripts: 3 prime UTR variant (2).
Genome position: GRCh38 VCF-style: chr5-173232989-C-CG. GRCh37 (hg19) VCF-style: chr5-172659992-C-CG.
Other names: c.*507_*508insC (NM_001166175.2); c.*353_*354insC (NM_001166176.2); short protein forms W185fs.
Identifiers: ClinVar variation 190839 (VCV000190839.2), dbSNP rs786205826, ClinGen allele CA302116.